The following is an entry in ClinVar:

ClinVar aggregate classification (germline): Likely pathogenic (1 of 4 stars; one submission).

Conditions:
Xeroderma pigmentosum, group D (XPD). Also called: XERODERMA PIGMENTOSUM, COMPLEMENTATION GROUP D; XERODERMA PIGMENTOSUM IV; XP, GROUP D; XP, GROUP H; ERCC2-Related Xeroderma Pigmentosum. Identifiers: MedGen C0268138, MONDO:0010212, OMIM 278730.
Cerebrooculofacioskeletal syndrome 2 (COFS2). Identifiers: MedGen C1853102, MONDO:0012553, OMIM 610756.
Trichothiodystrophy 1, photosensitive (TTD1). Also called: TAY SYNDROME; TRICHOTHIODYSTROPHY WITH CONGENITAL ICHTHYOSIS; PIBIDS SYNDROME. Identifiers: Orphanet 33364, MedGen C1866504, MONDO:0011125, OMIM 601675.

Submission:

Juno Genomics, Hangzhou Juno Genomics, Inc
Classification: Likely pathogenic for Cerebrooculofacioskeletal syndrome 2; Trichothiodystrophy 1, photosensitive; Xeroderma pigmentosum, group D. Review status: criteria provided, single submitter. Criteria: ACMG Guidelines, 2015. Collection method: clinical testing. Allele origin: germline.
Comment: Null variant in a gene where loss of function (LOF) is a known mechanism of disease.;Absent from controls (or at extremely low frequency if recessive) in Genome Aggregation Database.

NM_000400.4(ERCC2):c.595-1G>A

Gene: ERCC2 (ERCC excision repair 2, TFIIH core complex helicase subunit; minus strand). Cytogenetic location: 19q13.32.
Variant type: single nucleotide variant.
Coding change: c.595-1G>A on transcript NM_000400.4 (MANE Select); the canonical splice acceptor site of the intron before coding-DNA position 595, G replaced by A.
Molecular consequence: splice acceptor variant.
Genome position (GRCh38, 1-based): chr19:45,364,548, C>T on the plus strand (G>A on the coding strand, the complement: ERCC2 is on the minus strand). VCF-style: chr19-45364548-C-T. GRCh37 (hg19) VCF-style: chr19-45867806-C-T.
Other names: c.472-1G>A (NM_001440357.1); c.517-1G>A (NM_001440356.1); c.523-1G>A (NM_001440355.1, NM_001130867.2).
Identifiers: ClinVar variation 5006008 (VCV005006008.2).